The following is an entry in ClinVar:

ClinVar aggregate classification (germline): Conflicting classifications of pathogenicity. Review status: criteria provided, conflicting classifications (1 of 4 stars). 2 submissions from 2 submitters: Uncertain significance (1); Likely benign (1). Last evaluated 2024-09-30.

Conditions:
Hereditary cancer-predisposing syndrome. Also called: Neoplastic Syndromes, Hereditary; Tumor predisposition; Hereditary Cancer Syndrome; Hereditary neoplastic syndrome. Identifiers: Orphanet 140162, MedGen C0027672, MeSH D009386, MONDO:0015356.
Cardiovascular phenotype. Identifiers: MedGen CN230736.

Submissions (2):

Ambry Genetics
Classification: Likely benign for Cardiovascular phenotype; Hereditary cancer-predisposing syndrome. Last evaluated: 2024-09-30. Review status: criteria provided, single submitter. Criteria: Ambry Variant Classification Scheme 2023. Collection method: clinical testing. Allele origin: germline.

Labcorp Genetics (formerly Invitae), Labcorp
Classification: Uncertain significance. Last evaluated: 2024-05-23. Review status: criteria provided, single submitter. Criteria: Invitae Variant Classification Sherloc (09022015). Collection method: clinical testing. Allele origin: germline.
Comment: This sequence change replaces alanine, which is neutral and non-polar, with valine, which is neutral and non-polar, at codon 13 of the LZTR1 protein (p.Ala13Val). This variant is not present in population databases (gnomAD no frequency). This variant has not been reported in the literature in individuals affected with LZTR1-related conditions. ClinVar contains an entry for this variant (Variation ID: 1735997). Advanced modeling of protein sequence and biophysical properties (such as structural, functional, and spatial information, amino acid conservation, physicochemical variation, residue mobility, and thermodynamic stability) performed at Invitae indicates that this missense variant is not expected to disrupt LZTR1 protein function with a negative predictive value of 95%. In summary, the available evidence is currently insufficient to determine the role of this variant in disease. Therefore, it has been classified as a Variant of Uncertain Significance.

NM_006767.4(LZTR1):c.38C>T (p.Ala13Val)

Genes: LZTR1 (leucine zipper like post translational regulator 1; plus strand), LOC130067016 (ATAC-STARR-seq lymphoblastoid silent region 13504; plus strand). Cytogenetic location: 22q11.21.
Variant type: single nucleotide variant.
Coding change: c.38C>T on transcript NM_006767.4 (MANE Select); coding-DNA position 38, C replaced by T.
Protein change: p.Ala13Val; replaces alanine 13 with valine.
Molecular consequence: missense variant.
Genome position (GRCh38, 1-based): chr22:20,982,409, C>T. VCF-style: chr22-20982409-C-T. GRCh37 (hg19) VCF-style: chr22-21336698-C-T.
Other names: short protein forms A13V.
Identifiers: ClinVar variation 1735997 (VCV001735997.5), dbSNP rs2518607656, ClinGen allele CA410777505.
Genomic context (GRCh38, chr22:20,982,409, plus strand): 5'-GGCCGATCCGGCGTGGACCCGGGATGGCTGGACCGGGCAGCACGGGGGGGCAGATCGGGG[C>T]TGCGGCCCTGGCAGGCGGCGCGCGGTCCAAGGTAGCCCCGAGCGTGGACTTCGACCATAG-3'
Protein context (NP_006758.2, residues 3-23): GPGSTGGQIG[Ala13Val]AALAGGARSK